The following is an entry in ClinVar:

ClinVar aggregate classification (germline): Uncertain significance. Review status: criteria provided, multiple submitters, no conflicts (2 of 4 stars). 2 submissions from 2 submitters: Uncertain significance (2). Last evaluated 2025-06-27.

Allele frequency attached by ClinVar (database versions not stated): gnomAD 0.00001; gnomAD exomes 0.00001; TOPMed 0.00001.
gnomAD v4.1: 12 of 1,528,868 alleles (0.00078%); highest among the groups gnomAD compares: Admixed American, 0.018%; no homozygotes.

Submissions (2):

Women's Health and Genetics/Laboratory Corporation of America, LabCorp
Classification: Uncertain significance. Last evaluated: 2025-06-27. Review status: criteria provided, single submitter. Criteria: LabCorp Variant Classification Summary - May 2015. Collection method: clinical testing. Allele origin: germline.
Comment: Variant summary: PKD1 c.1598A>G (p.Gln533Arg) results in a conservative amino acid change in the encoded protein sequence. Algorithms developed to predict the effect of missense changes on protein structure and function all suggest that this variant is likely to be tolerated. The variant was absent in 137400 control chromosomes. The available data on variant occurrences in the general population are insufficient to allow any conclusion about variant significance. To our knowledge, no occurrence of c.1598A>G in individuals affected with PKD1-Biallelic Autosomal Recessive Polycystic Kidney Disease and no experimental evidence demonstrating its impact on protein function have been reported. ClinVar contains an entry for this variant (Variation ID: 447974). Based on the evidence outlined above, the variant was classified as uncertain significance.

Athena Diagnostics
Classification: Uncertain significance. Last evaluated: 2012-06-29. Review status: criteria provided, single submitter. Criteria: Athena Diagnostics Criteria. Collection method: clinical testing. Allele origin: germline.

NM_001009944.3(PKD1):c.1598A>G (p.Gln533Arg)

Gene: PKD1 (polycystin 1, transient receptor potential channel interacting; minus strand). Cytogenetic location: 16p13.3.
Variant type: single nucleotide variant.
Coding change: c.1598A>G on transcript NM_001009944.3 (MANE Select); coding-DNA position 1598, A replaced by G.
Protein change: p.Gln533Arg; replaces glutamine 533 with arginine.
Molecular consequence: missense variant.
Genome position (GRCh38, 1-based): chr16:2,116,841, T>C on the plus strand (A>G on the coding strand, the complement: PKD1 is on the minus strand). VCF-style: chr16-2116841-T-C. GRCh37 (hg19) VCF-style: chr16-2166842-T-C.
Other names: c.1598A>G, p.Gln533Arg (NM_000296.4); short protein forms Q533R.
Identifiers: ClinVar variation 447974 (VCV000447974.2), dbSNP rs2855342, ClinGen allele CA276783264.